The following is an entry in ClinVar:

ClinVar aggregate classification (germline): Uncertain significance (1 of 4 stars; one submission).

gnomAD v4.1: 2 of 1,508,672 alleles (0.00013%); highest among the groups gnomAD compares: South Asian, 0.0027%; no homozygotes.

Submission:

Labcorp Genetics (formerly Invitae), Labcorp
Classification: Uncertain significance. Last evaluated: 2024-04-08. Review status: criteria provided, single submitter. Criteria: Invitae Variant Classification Sherloc (09022015). Collection method: clinical testing. Allele origin: germline.
Comment: This sequence change replaces cysteine, which is neutral and slightly polar, with arginine, which is basic and polar, at codon 783 of the MKL1 protein (p.Cys783Arg). This variant is present in population databases (rs760380149, gnomAD 0.006%). This variant has not been reported in the literature in individuals affected with MKL1-related conditions. An algorithm developed to predict the effect of missense changes on protein structure and function (PolyPhen-2) suggests that this variant is likely to be disruptive. In summary, the available evidence is currently insufficient to determine the role of this variant in disease. Therefore, it has been classified as a Variant of Uncertain Significance.

NM_020831.6(MRTFA):c.2647T>C (p.Cys883Arg)

Gene: MRTFA (myocardin related transcription factor A; minus strand). Cytogenetic location: 22q13.1.
Variant type: single nucleotide variant.
Coding change: c.2647T>C on transcript NM_020831.6 (MANE Select); coding-DNA position 2647, T replaced by C.
Protein change: p.Cys883Arg; replaces cysteine 883 with arginine.
Molecular consequence: missense variant.
Genome position (GRCh38, 1-based): chr22:40,411,839, A>G on the plus strand (T>C on the coding strand, the complement: MRTFA is on the minus strand). VCF-style: chr22-40411839-A-G. GRCh37 (hg19) VCF-style: chr22-40807843-A-G.
Other names: c.2347T>C, p.Cys783Arg (NM_001282660.2); c.2497T>C, p.Cys833Arg (NM_001282661.3); c.2657T>C, p.Leu886Pro (NM_001282662.3); c.2452T>C, p.Cys818Arg (NM_001318139.2); short protein forms C833R, C818R, C783R, C883R, L886P.
Identifiers: ClinVar variation 3647031 (VCV003647031.2).